The following is an entry in ClinVar:

NM_000489.6(ATRX):c.4314_4316dup (p.Asn1438_Lys1439insAsn)

Gene: ATRX (ATRX chromatin remodeler; minus strand). Cytogenetic location: Xq21.1.
Variant type: Duplication.
Coding change: c.4314_4316dup on transcript NM_000489.6 (MANE Select); coding-DNA positions 4314 to 4316, 3 bases duplicated (CAA; older notation c.4314_4316dupCAA).
Protein change: p.Asn1438_Lys1439insAsn.
Molecular consequence: inframe insertion.
Genome position (GRCh38, 1-based): chrX:77,654,099-77,654,101, TTG duplicated on the plus strand (CAA on the coding strand, the reverse complement: ATRX is on the minus strand); duplicating any 3 consecutive bases within chrX:77,654,099-77,654,103 gives the same sequence; the c. name uses the placement nearest the transcript's 3' end. VCF-style (leftmost placement, unchanged base first): chrX-77654098-C-CTTG. GRCh37 (hg19) VCF-style: chrX-76909588-C-CTTG.
Other names: c.4200_4202dup, p.Asn1400_Lys1401insAsn (NM_138270.5); c.4314_4316dupCAA (NM_000489.6).
Identifiers: ClinVar variation 3063818 (VCV003063818.1), dbSNP rs2522738202, ClinGen allele CA2740092208.

ClinVar aggregate classification (germline): Uncertain significance (1 of 4 stars; one submission).

Submission:

Women's Health and Genetics/Laboratory Corporation of America, LabCorp
Classification: Uncertain significance. Last evaluated: 2024-01-09. Review status: criteria provided, single submitter. Criteria: LabCorp Variant Classification Summary - May 2015. Collection method: clinical testing. Allele origin: germline.
Comment: Variant summary: ATRX c.4314_4316dupCAA (p.Asn1438dup) results in an in-frame duplication that is predicted to duplicate one amino acid of the encoded protein. Consensus agreement among computation tools predict no significant impact on normal splicing. However, these predictions have yet to be confirmed by functional studies. The variant was absent in 182909 control chromosomes (gnomAD). The available data on variant occurrences in the general population are insufficient to allow any conclusion about variant significance. To our knowledge, no occurrence of c.4314_4316dupCAA in individuals affected with ATR-X Syndrome and no experimental evidence demonstrating its impact on protein function have been reported. No submitters have reported clinical-significance assessments for this variant to ClinVar. Based on the evidence outlined above, the variant was classified as uncertain significance.